The following is an entry in ClinVar:

ClinVar aggregate classification (germline): Conflicting classifications of pathogenicity. Review status: criteria provided, conflicting classifications (1 of 4 stars). 20 submissions from 20 submitters: Uncertain significance (13); Benign (1); Likely benign (4). 2 of the submissions do not count toward it. Last evaluated 2026-05-19.

Conditions:
Familial cancer of breast. Also called: BREAST CANCER, FAMILIAL; hereditary breast carcinoma; Hereditary breast cancer. Identifiers: Orphanet 227535, MedGen C0346153, MONDO:0016419, OMIM 114480. Disease mechanism: loss of function.
Ovarian neoplasm. Also called: Neoplasm of ovary; Ovarian tumor; Ovarian Neoplasms. Identifiers: MedGen C0919267, MeSH D010051, MONDO:0021068, HP:0100615.
Lung cancer. Also called: Lung cancer, somatic; Malignant tumor of lung. Identifiers: MedGen C0242379, MONDO:0008903, OMIM 211980.
CHEK2-related disorder.
CHEK2-related cancer predisposition (TPDS4). Also called: TUMOR PREDISPOSITION SYNDROME 4; CANCER PREDISPOSITION SYNDROME, CHEK2-RELATED; CHEK2-related cancer susceptibility. Identifiers: Orphanet 524, MedGen C5882668, MONDO:0700271, OMIM 609265.
Bone osteosarcoma. Also called: Osteosarcoma, somatic. Identifiers: Orphanet 668, MedGen C0585442, MONDO:0002629, OMIM 259500.
Familial prostate cancer. Also called: Hereditary Prostate Cancer. Identifiers: MedGen C2931456, MONDO:0700275, OMIM 176807.
Hereditary cancer-predisposing syndrome. Also called: Neoplastic Syndromes, Hereditary; Hereditary neoplastic syndrome; Hereditary Cancer Syndrome; Tumor predisposition. Identifiers: Orphanet 140162, MedGen C0027672, MeSH D009386, MONDO:0015356.
Breast neoplasm. Also called: Neoplasm of breast; Breast tumor; Neoplasm of the breast; Breast Neoplasms. Identifiers: MedGen C1458155, MeSH D001943, MONDO:0021100, HP:0100013. Disease mechanism: gain of function.
Hereditary breast ovarian cancer syndrome. Also called: Breast and ovarian cancer; Hereditary breast and/or ovarian cancer syndrome; Hereditary breast and ovarian cancer syndrome; Hereditary breast and ovarian cancer syndrome (HBOC); Hereditary breast and ovarian cancer; BRCA1- and BRCA2-Associated Hereditary Breast and Ovarian Cancer. Identifiers: Orphanet 145, MedGen C0677776, MeSH D061325, MONDO:0003582. Disease mechanism: loss of function.
Malignant tumor of breast. Also called: Cancer breast; Malignant breast neoplasm. Identifiers: MedGen C0006142, MONDO:0007254. Disease mechanism: loss of function.

Allele frequency attached by ClinVar (database versions not stated): gnomAD 0.00008 and 0.00015; gnomAD exomes 0.00014 and 0.00048; 1000 Genomes Project 30x 0.00016; 1000 Genomes Project 0.00020; TOPMed 0.00021; ExAC 0.00049.

Submissions 1 to 8 of 20:

PreventionGenetics, part of Exact Sciences
Classification: Uncertain significance for CHEK2-related condition. Last evaluated: 2026-05-19. Review status: criteria provided, single submitter. Criteria: ACMG Guidelines, 2015. Collection method: clinical testing. Allele origin: germline.
Comment: The CHEK2 c.1111C>T variant is predicted to result in the amino acid substitution p.His371Tyr. This variant has been reported in individuals with breast cancer (Liu et al. 2011. PubMed ID: 21618645; Baloch et al. 2014. PubMed ID: 24390236; Sung et al. 2017. PubMed ID: 28961279; Chen et al. 2020. PubMed ID: 32091409; Table A2 - Greville-Heygate et al. 2020. PubMed ID: 32923877), ovarian cancer (Table S2 - Li et al. 2019. PubMed ID: 31472684), pancreatic cancer (Lowery et al. 2018. PubMed ID: 29506128; Ohmoto et al. 2018. PubMed ID: 29667044), and diffuse large B-cell lymphoma (de Miranda et al. 2013. PubMed ID: 23960188). Functional studies provide conflicting evidence of this variants impact on function (Liu et al. 2011. PubMed ID: 21618645; Delimitsou et al. 2019. PubMed ID: 30851065). This variant is reported in 0.42% of alleles in individuals of East Asian descent in gnomAD including in the homozygous state in one individual. In ClinVar this variant has conflicting interpretations including benign, likely benign and uncertain (Variation ID: 128044). Although we suspect that this variant may be benign, at this time, the clinical significance of this variant is uncertain due to the absence of conclusive functional and genetic evidence.

Women's Health and Genetics/Laboratory Corporation of America, LabCorp
Classification: Uncertain significance. Last evaluated: 2026-02-13. Review status: criteria provided, single submitter. Criteria: LabCorp Variant Classification Summary - May 2015. Collection method: clinical testing. Allele origin: germline.
Comment: Variant summary: CHEK2 c.1111C>T (p.His371Tyr) results in a conservative amino acid change in the encoded protein sequence. Algorithms developed to predict the effect of missense changes on protein structure and function are either unavailable or do not agree on the potential impact of this missense change. The variant allele was found at a frequency of 0.00015 in 1617550 control chromosomes, predominantly at a frequency of 0.0022 within the East Asian subpopulation in the gnomAD database, including 3 homozygotes. The observed variant frequency within East Asian control individuals in the gnomAD database exceeds the estimated maximal expected allele frequency for disease-causing variants in CHEK2, suggesting that the variant may be a benign polymorphism found primarily in populations of East Asian origin. c.1111C>T has been reported in the literature in numerous individuals affected with Breast Cancer or other cancers as well as in unaffected controls in settings of multigene panel testing (e.g. Baloch_2013, LeCalvez-Kelm_2011, Leedom_2016, Young_2016, Liu_2011, Momozawa_2018, Stolarova_2023, Takehara_2025), in settings of other cancers such as diffuse large B cell lymphomas (e.g. deMiranda_2013), and also in a case report of a reportedly de novo occurrence in a Chinese family with Li-Fraunemi like syndrome (Zhuang_2016), without strong evidence of causality. One group performed a case-control study in a Chinese population that suggested the variant is significantly more frequent in familial breast cancer patients who were negative for mutations in BRCA1/2 than controls (OR = 5.99 [95% CI = 1.98-18.19]; p = 0.002) as well as unselected breast cancer patients (OR = 2.43 [95% CI = 1.07-5.52]; p = 0.034) and suggest the variant confers a moderate risk for breast cancer (Liu_2011), however the case/control N was insufficient for robust risk assessment. The same study reported incomplete segregation within families and performed functional studies that showed reduced phosphorylation and kinase activity. The variant has also been reported to co-occur with an unspecified pathogenic BRCA2 mutation in at least two breast cancer patients (Liu_2015), excluding the variant as the primary cause of disease in the patients. Therefore, these reports do not provide unequivocal conclusions about association of the variant with Breast Cancer. At least two recent publications report experimental evidence evaluating an impact on protein function. These results showed no damaging effect of this variant (Stolarova_2023, Delimitsou_2019). The following publications have been ascertained in the context of this evaluation (PMID: 27621404, 24390236, 30851065, 21244692, 27751358, 25884806, 21618645, 25629968, 30287823, 37449874, 26787654, 27442652, 23960188, 40893051). ClinVar contains an entry for this variant (Variation ID: 128044). Based on the evidence outlined above, the variant was classified as VUS-possibly benign.

Labcorp Genetics (formerly Invitae), Labcorp
Classification: Uncertain significance for Familial cancer of breast. Last evaluated: 2026-02-04. Review status: criteria provided, single submitter. Criteria: Invitae Variant Classification Sherloc (09022015). Collection method: clinical testing. Allele origin: germline.
Comment: This sequence change replaces histidine, which is basic and polar, with tyrosine, which is neutral and polar, at codon 371 of the CHEK2 protein (p.His371Tyr). This variant is present in population databases (rs531398630, gnomAD 0.4%), and has an allele count higher than expected for a pathogenic variant. This missense change has been observed in individual(s) with breast cancer, diffuse large B-cell lymphoma, gastric cancer and pancreatic cancer, as well as unaffected control subjects (PMID: 16883537, 18484200, 21244692, 21618645, 23960188, 24390236, 27442652, 29338689, 29667044, 32091409, 32521533). It has also been observed to segregate with disease in related individuals. ClinVar contains an entry for this variant (Variation ID: 128044). An algorithm developed to predict the effect of missense changes on protein structure and function (PolyPhen-2) suggests that this variant is likely to be tolerated. Experimental studies are conflicting or provide insufficient evidence to determine the effect of this variant on CHEK2 function (PMID: 21618645, 30851065). In summary, the available evidence is currently insufficient to determine the role of this variant in disease. Therefore, it has been classified as a Variant of Uncertain Significance.

Center for Genomic Medicine, Rigshospitalet, Copenhagen University Hospital
Classification: Uncertain significance. Last evaluated: 2025-12-29. Review status: criteria provided, single submitter. Criteria: ACMG Guidelines, 2015. Collection method: clinical testing. Allele origin: germline.

Blueprint Genetics
Classification: Likely benign. Last evaluated: 2024-07-17. Review status: criteria provided, single submitter. Criteria: ACMG Guidelines, 2015. Collection method: clinical testing. Allele origin: germline.

Fulgent Genetics
Classification: Uncertain significance for Familial prostate cancer; Bone osteosarcoma; CHEK2-related cancer predisposition. Last evaluated: 2024-04-12. Review status: criteria provided, single submitter. Criteria: ACMG Guidelines, 2015. Collection method: clinical testing. Allele origin: germline.

Molecular Pathology, Peter Maccallum Cancer Centre
Classification: Uncertain significance for Familial cancer of breast. Last evaluated: 2024-03-14. Review status: criteria provided, single submitter. Criteria: ACMG Guidelines, 2015. Collection method: clinical testing. Allele origin: germline. Inheritance: Autosomal dominant inheritance.

CeGaT Center for Human Genetics Tuebingen
Classification: Likely benign. Last evaluated: 2023-09-01. Review status: criteria provided, single submitter. Criteria: CeGaT Center For Human Genetics Tuebingen Variant Classification Criteria Version 2. Collection method: clinical testing. Allele origin: germline. Affected: yes. Observed: 1 variant allele.
Comment: CHEK2: BP4, BS1

NM_007194.4(CHEK2):c.1111C>T (p.His371Tyr)

Gene: CHEK2 (checkpoint kinase 2; minus strand). Cytogenetic location: 22q12.1.
Variant type: single nucleotide variant.
Coding change: c.1111C>T on transcript NM_007194.4 (MANE Select); coding-DNA position 1111, C replaced by T.
Protein change: p.His371Tyr; replaces histidine 371 with tyrosine.
Molecular consequence: missense variant.
Genome position (GRCh38, 1-based): chr22:28,695,858, G>A on the plus strand (C>T on the coding strand, the complement: CHEK2 is on the minus strand). VCF-style: chr22-28695858-G-A. GRCh37 (hg19) VCF-style: chr22-29091846-G-A.
Other names: p.H371Y:CAC>TAC; c.1240C>T, p.His414Tyr (NM_001005735.3); c.448C>T, p.His150Tyr (NM_001257387.3); c.910C>T, p.His304Tyr (NM_001349956.3); c.1024C>T, p.His342Tyr (NM_145862.3); short protein forms H371Y, H304Y, H342Y, H414Y, H150Y.
Identifiers: ClinVar variation 128044 (VCV000128044.83), dbSNP rs531398630, ClinGen allele CA288254.
Genomic context (GRCh38, chr22:28,695,858, plus strand): 5'-AGTAGGTGGGGGTTCCACATAAGGTTCTCATGAGAGAGGTCTCTCCCAAAATCTTGGAGT[G>A]CCCAAAATCAGTAATCTAAAATTCAGTACAAAAGGGAATAATGTTGAACTTGCCATAAAA-3'
Protein context (NP_009125.1, residues 361-381): DCLIKITDFG[His371Tyr]SKILGETSLM